The following is an entry in ClinVar:

ClinVar aggregate classification (germline): Uncertain significance (0 of 4 stars; one submission).

Conditions:
ALG5-related disorder. Also called: ALG5-related condition.

gnomAD v4.1: 1 of 1,580,728 alleles (0.000063%); highest among the groups gnomAD compares: Non-Finnish European, 0.000086%; no homozygotes.

Submission:

PreventionGenetics, part of Exact Sciences
Classification: Uncertain significance for ALG5-related condition. Last evaluated: 2024-04-09. Review status: no assertion criteria provided. Collection method: clinical testing. Allele origin: germline.
Comment: The ALG5 c.55G>T variant is predicted to result in the amino acid substitution p.Ala19Ser. To our knowledge, this variant has not been reported in the literature or in a large population database, indicating this variant is rare. At this time, the clinical significance of this variant is uncertain due to the absence of conclusive functional and genetic evidence.

NM_013338.5(ALG5):c.55G>T (p.Ala19Ser)

Gene: ALG5 (ALG5 dolichyl-phosphate beta-glucosyltransferase; minus strand). Cytogenetic location: 13q13.3.
Variant type: single nucleotide variant.
Coding change: c.55G>T on transcript NM_013338.5 (MANE Select); coding-DNA position 55, G replaced by T.
Protein change: p.Ala19Ser; replaces alanine 19 with serine.
Molecular consequence: missense variant.
Genome position (GRCh38, 1-based): chr13:36,999,246, C>A on the plus strand (G>T on the coding strand, the complement: ALG5 is on the minus strand). VCF-style: chr13-36999246-C-A. GRCh37 (hg19) VCF-style: chr13-37573383-C-A.
Other names: c.55G>T, p.Ala19Ser (NM_001142364.1); short protein forms A19S.
Identifiers: ClinVar variation 3345153 (VCV003345153.1).